The following is an entry in ClinVar:

ClinVar aggregate classification (germline): Uncertain significance (1 of 4 stars; one submission).

Allele frequency attached by ClinVar (database versions not stated): gnomAD exomes below 0.00001; TOPMed below 0.00001 and 0.00001.
gnomAD v4.1: 2 of 1,613,924 alleles (0.00012%); highest among the groups gnomAD compares: Non-Finnish European, 0.00017%; no homozygotes.

Submission:

GeneDx
Classification: Uncertain significance. Last evaluated: 2017-05-15. Review status: criteria provided, single submitter. Criteria: GeneDx Variant Classification (06012015). Collection method: clinical testing. Allele origin: germline. Affected: yes.
Comment: The F1341S variant in the MYH9 gene has not been reported previously as a pathogenic variant, nor as a benign variant, to our knowledge. The F1341S variant is not observed in large population cohorts (Lek et al., 2016; 1000 Genomes Consortium et al., 2015; Exome Variant Server). The F1341S variant is a non-conservative amino acid substitution, which is likely to impact secondary protein structure as these residues differ in polarity, charge, size and/or other properties. This substitution occurs at a position that is not conserved. In silico analysis is inconsistent in its predictions as to whether or not the variant is damaging to the protein structure/function. We interpret F1341S as a variant of uncertain significance.

NM_002473.6(MYH9):c.4022T>C (p.Phe1341Ser)

Gene: MYH9 (myosin heavy chain 9; minus strand). Cytogenetic location: 22q12.3.
Variant type: single nucleotide variant.
Coding change: c.4022T>C on transcript NM_002473.6 (MANE Select); coding-DNA position 4022, T replaced by C.
Protein change: p.Phe1341Ser; replaces phenylalanine 1341 with serine.
Molecular consequence: missense variant.
Genome position (GRCh38, 1-based): chr22:36,293,402, A>G on the plus strand (T>C on the coding strand, the complement: MYH9 is on the minus strand). VCF-style: chr22-36293402-A-G. GRCh37 (hg19) VCF-style: chr22-36689448-A-G.
Other names: short protein forms F1341S.
Identifiers: ClinVar variation 429861 (VCV000429861.2), dbSNP rs1131691639, ClinGen allele CA411384663.